The following is an entry in ClinVar:

ClinVar aggregate classification (germline): Uncertain significance (1 of 4 stars; one submission).

Conditions:
Hereditary sensory and autonomic neuropathy type 7. Also called: HSAN VII; Neuropathy, hereditary sensory and autonomic, type VII. Identifiers: Orphanet 391397, MedGen C3809882, MONDO:0014244, OMIM 615548.
Familial episodic pain syndrome with predominantly lower limb involvement. Also called: Episodic pain syndrome, familial, 3. Identifiers: Orphanet 391384, Orphanet 391392, MedGen C3809899, MONDO:0014247, OMIM 615552.

Submission:

Labcorp Genetics (formerly Invitae), Labcorp
Classification: Uncertain significance for Familial episodic pain syndrome with predominantly lower limb involvement; Hereditary sensory and autonomic neuropathy type 7. Last evaluated: 2024-09-24. Review status: criteria provided, single submitter. Criteria: Invitae Variant Classification Sherloc (09022015). Collection method: clinical testing. Allele origin: germline.
Comment: This sequence change replaces arginine, which is basic and polar, with tryptophan, which is neutral and slightly polar, at codon 747 of the SCN11A protein (p.Arg747Trp). This variant is present in population databases (rs778354128, gnomAD 0.003%). This variant has not been reported in the literature in individuals affected with SCN11A-related conditions. An algorithm developed to predict the effect of missense changes on protein structure and function (PolyPhen-2) suggests that this variant is likely to be disruptive. In summary, the available evidence is currently insufficient to determine the role of this variant in disease. Therefore, it has been classified as a Variant of Uncertain Significance.

NM_001349253.2(SCN11A):c.2239C>T (p.Arg747Trp)

Gene: SCN11A (sodium voltage-gated channel alpha subunit 11; minus strand). Cytogenetic location: 3p22.2.
Variant type: single nucleotide variant.
Coding change: c.2239C>T on transcript NM_001349253.2 (MANE Select); coding-DNA position 2239, C replaced by T.
Protein change: p.Arg747Trp; replaces arginine 747 with tryptophan.
Molecular consequence: missense variant.
Genome position (GRCh38, 1-based): chr3:38,897,009, G>A on the plus strand (C>T on the coding strand, the complement: SCN11A is on the minus strand). VCF-style: chr3-38897009-G-A. GRCh37 (hg19) VCF-style: chr3-38938500-G-A.
Other names: c.2239C>T, p.Arg747Trp (NM_014139.3); short protein forms R747W.
Identifiers: ClinVar variation 3758701 (VCV003758701.2).
Genomic context (GRCh38, chr3:38,897,009, plus strand): 5'-CGCAGAGGATGCGGAATACCACTAGGAAGGAGTGCCAGAAATCCCCCATGTGCCAGTGCC[G>A]TAAACATGAGACTGTCGGGCCTGTCGGGTTACAGAGTTTTGGACTCTTTTGGGAATTGAA-3'
Protein context (NP_001336182.1, residues 737-757): NPTGPTVSCL[Arg747Trp]HWHMGDFWHS